The following is an entry in ClinVar:

NM_016292.3(TRAP1):c.2057C>G (p.Pro686Arg)

Genes: DNASE1 (deoxyribonuclease 1; plus strand), TRAP1 (TNF receptor associated protein 1; minus strand). Cytogenetic location: 16p13.3.
Variant type: single nucleotide variant.
Coding change: c.2057C>G on transcript NM_016292.3 (MANE Select); coding-DNA position 2057, C replaced by G.
Protein change: p.Pro686Arg; replaces proline 686 with arginine.
Molecular consequence: missense variant. On other transcripts: intron variant (1).
Genome position (GRCh38, 1-based): chr16:3,658,187, G>C on the plus strand (C>G on the coding strand, the complement: TRAP1 is on the minus strand). VCF-style: chr16-3658187-G-C. GRCh37 (hg19) VCF-style: chr16-3708188-G-C.
Other names: c.*21+320G>C (NM_001387140.1); c.1898C>G, p.Pro633Arg (NM_001272049.2); short protein forms P633R, P686R.
Identifiers: ClinVar variation 2636594 (VCV002636594.1), dbSNP rs995881750, ClinGen allele CA276971182.

ClinVar aggregate classification (germline): Uncertain significance (1 of 4 stars; one submission).

Conditions:
TRAP1-related disorder. Also called: TRAP1-related condition.

Allele frequency attached by ClinVar (database versions not stated): gnomAD 0.00001; TOPMed 0.00002.
gnomAD v4.1: 9 of 1,613,976 alleles (0.00056%); highest among the groups gnomAD compares: Middle Eastern, 0.066%; no homozygotes.

Submission:

PreventionGenetics, part of Exact Sciences
Classification: Uncertain significance for TRAP1-related condition. Last evaluated: 2023-07-18. Review status: criteria provided, single submitter. Criteria: ACMG Guidelines, 2015. Collection method: clinical testing. Allele origin: germline.
Comment: The TRAP1 c.2057C>G variant is predicted to result in the amino acid substitution p.Pro686Arg. To our knowledge, this variant has not been reported in the literature. This variant is reported in 0.0026% of alleles in individuals of European (Non-Finnish) descent in gnomAD. At this time, the clinical significance of this variant is uncertain due to the absence of conclusive functional and genetic evidence.